The following is an entry in ClinVar:

NM_001277115.2(DNAH11):c.9434C>A (p.Thr3145Lys)

Gene: DNAH11 (dynein axonemal heavy chain 11; plus strand). Cytogenetic location: 7p15.3.
Variant type: single nucleotide variant.
Coding change: c.9434C>A on transcript NM_001277115.2 (MANE Select); coding-DNA position 9434, C replaced by A.
Protein change: p.Thr3145Lys; replaces threonine 3145 with lysine.
Molecular consequence: missense variant.
Genome position (GRCh38, 1-based): chr7:21,779,055, C>A. VCF-style: chr7-21779055-C-A. GRCh37 (hg19) VCF-style: chr7-21818673-C-A.
Other names: c.9455C>A, p.Thr3152Lys (NM_003777.3); short protein forms T3145K, T3152K.
Identifiers: ClinVar variation 1767004 (VCV001767004.2), dbSNP rs185195859, ClinGen allele CA366937762.

ClinVar aggregate classification (germline): Uncertain significance (1 of 4 stars; one submission).

Conditions:
Primary ciliary dyskinesia. Also called: Ciliary dyskinesia. Identifiers: Orphanet 244, MedGen C0008780, MONDO:0016575, HP:0012265.

gnomAD v4.1: 25 of 1,613,318 alleles (0.0015%); highest among the groups gnomAD compares: East Asian, 0.0022%; no homozygotes.

Submission:

Ambry Genetics
Classification: Uncertain significance for Primary ciliary dyskinesia. Last evaluated: 2015-04-10. Review status: criteria provided, single submitter. Criteria: Ambry Variant Classification Scheme 2023. Collection method: clinical testing. Allele origin: germline.
Comment: The p.T3152K variant (also known as c.9455C>A), located in coding exon 57 of the DNAH11 gene, results from a C to A substitution at nucleotide position 9455. The threonine at codon 3152 is replaced by lysine, an amino acid with some similar properties. This variant was not reported in population based cohorts in the following databases: Database of Single Nucleotide Polymorphisms (dbSNP), NHLBI Exome Sequencing Project (ESP), and 1000 Genomes Project. In the ESP, this variant was not observed in 6059 samples (12118 alleles) with coverage at this position. This amino acid position is highly conserved in available vertebrate species. In addition, this alteration is predicted to be probably damaging but tolerated by PolyPhen and SIFT in silico analyses, respectively. Since supporting evidence is limited at this time, the clinical significance of this variant remains unclear.